The following is an entry in ClinVar:

NM_001346249.2(RALGAPA1):c.4687C>T (p.His1563Tyr)

Gene: RALGAPA1 (Ral GTPase activating protein catalytic subunit alpha 1; minus strand). Cytogenetic location: 14q13.2.
Variant type: single nucleotide variant.
Coding change: c.4687C>T on transcript NM_001346249.2 (MANE Select); coding-DNA position 4687, C replaced by T.
Protein change: p.His1563Tyr; replaces histidine 1563 with tyrosine.
Molecular consequence: missense variant.
Genome position (GRCh38, 1-based): chr14:35,674,647, G>A on the plus strand (C>T on the coding strand, the complement: RALGAPA1 is on the minus strand). VCF-style: chr14-35674647-G-A. GRCh37 (hg19) VCF-style: chr14-36143853-G-A.
Other names: p.His1057Tyr; c.3208C>T, p.His1070Tyr (NM_001283043.3); c.3310C>T, p.His1104Tyr (NM_001283044.3, NM_001346245.2, NM_001346247.2); c.4546C>T, p.His1516Tyr (NM_001330075.3, NM_001346248.2); c.3169C>T, p.His1057Tyr (NM_001346243.2, NM_001346246.2, NM_014990.3 and 1 more transcripts); short protein forms H1104Y, H1516Y, H1563Y, H1057Y, H1070Y.
Identifiers: ClinVar variation 4541823 (VCV004541823.1).

ClinVar aggregate classification (germline): Uncertain significance (1 of 4 stars; one submission).

Submission:

Mayo Clinic Laboratories, Mayo Clinic
Classification: Uncertain significance. Last evaluated: 2025-06-06. Review status: criteria provided, single submitter. Criteria: ACMG Guidelines, 2015. Collection method: clinical testing. Allele origin: germline. Observed: 1 variant allele.
Comment: PM2_supporting